The following is an entry in ClinVar:

ClinVar aggregate classification (germline): Uncertain significance (1 of 4 stars; one submission).

Submission:

Labcorp Genetics (formerly Invitae), Labcorp
Classification: Uncertain significance. Last evaluated: 2022-04-06. Review status: criteria provided, single submitter. Criteria: Invitae Variant Classification Sherloc (09022015). Collection method: clinical testing. Allele origin: germline.
Comment: In summary, the available evidence is currently insufficient to determine the role of this variant in disease. Therefore, it has been classified as a Variant of Uncertain Significance. This sequence change replaces glutamic acid, which is acidic and polar, with alanine, which is neutral and non-polar, at codon 449 of the POLG2 protein (p.Glu449Ala). This variant is not present in population databases (gnomAD no frequency). This variant has not been reported in the literature in individuals affected with POLG2-related conditions. Algorithms developed to predict the effect of missense changes on protein structure and function are either unavailable or do not agree on the potential impact of this missense change (SIFT: "Deleterious"; PolyPhen-2: "Probably Damaging"; Align-GVGD: "Class C0").

NM_007215.4(POLG2):c.1346A>C (p.Glu449Ala)

Genes: MILR1 (mast cell immunoglobulin like receptor 1; plus strand), POLG2 (DNA polymerase gamma 2, accessory subunit; minus strand). Cytogenetic location: 17q23.3.
Variant type: single nucleotide variant.
Coding change: c.1346A>C on transcript NM_007215.4 (MANE Select); coding-DNA position 1346, A replaced by C.
Protein change: p.Glu449Ala; replaces glutamic acid 449 with alanine.
Molecular consequence: missense variant.
Genome position (GRCh38, 1-based): chr17:64,477,935, T>G on the plus strand (A>C on the coding strand, the complement: POLG2 is on the minus strand). VCF-style: chr17-64477935-T-G. GRCh37 (hg19) VCF-style: chr17-62474052-T-G.
Other names: short protein forms E449A.
Identifiers: ClinVar variation 1933855 (VCV001933855.5), dbSNP rs2037792999, ClinGen allele CA400635476.
Genomic context (GRCh38, chr17:64,477,935, plus strand): 5'-GATATATGCATCATTTCCTTCATTGTGGTGTCTCTGCTTCTCAGATGTATTAATCCATTC[T>G]CCAAAGTAGTTTCAGTAACCAAAACTGTGAAGAGAATACTCATTTCATCATACCTAAGAA-3'
Protein context (NP_009146.2, residues 439-459): FTVLVTETTL[Glu449Ala]NGLIHLRSRD